The following is an entry in ClinVar:

ClinVar aggregate classification (germline): Uncertain significance (1 of 4 stars; one submission).

gnomAD v4.1: 201 of 1,614,002 alleles (0.012%); highest among the groups gnomAD compares: Non-Finnish European, 0.016%; no homozygotes.

Submission:

GeneDx
Classification: Uncertain significance. Last evaluated: 2024-09-26. Review status: criteria provided, single submitter. Criteria: GeneDx Variant Classification Process June 2021. Collection method: clinical testing. Allele origin: germline. Affected: yes.
Comment: Reported in two siblings with autism spectrum disorder and childhood apraxia of speech along with a second variant on the opposite allele (in trans); however, the siblings also had variants in other genes that may have been responsible for the phenotype (PMID: 30949922); In silico analysis indicates that this missense variant does not alter protein structure/function; This variant is associated with the following publications: (PMID: 30949922)

NM_015378.4(VPS13D):c.5269G>A (p.Asp1757Asn)

Gene: VPS13D (vacuolar protein sorting 13 homolog D; plus strand). Cytogenetic location: 1p36.22.
Variant type: single nucleotide variant.
Coding change: c.5269G>A on transcript NM_015378.4 (MANE Select); coding-DNA position 5269, G replaced by A.
Protein change: p.Asp1757Asn; replaces aspartic acid 1757 with asparagine.
Molecular consequence: missense variant.
Genome position (GRCh38, 1-based): chr1:12,283,371, G>A. VCF-style: chr1-12283371-G-A. GRCh37 (hg19) VCF-style: chr1-12343428-G-A.
Other names: c.5269G>A, p.Asp1757Asn (NM_018156.4); short protein forms D1757N.
Identifiers: ClinVar variation 3774964 (VCV003774964.1).
Genomic context (GRCh38, chr1:12,283,371, plus strand): 5'-CAGTTGTATCAAAGGCCCACCTCTGCGTCCCGGAAAAAGCAAAAGGAAGTCCAAGACAAG[G>A]ACTATCCCTTGACCCCACCTCCTTCTCCAACAGTGGATGAGCCCAAGATACTTGTTGGAA-3'
Protein context (NP_056193.2, residues 1747-1767): RKKQKEVQDK[Asp1757Asn]YPLTPPPSPT